The following is an entry in ClinVar:

NM_000091.5(COL4A3):c.2584G>C (p.Gly862Arg)

Genes: MFF-DT (MFF divergent transcript; minus strand), COL4A3 (collagen type IV alpha 3 chain; plus strand). Cytogenetic location: 2q36.3.
Variant type: single nucleotide variant.
Coding change: c.2584G>C on transcript NM_000091.5 (MANE Select); coding-DNA position 2584, G replaced by C.
Protein change: p.Gly862Arg; replaces glycine 862 with arginine.
Molecular consequence: missense variant.
Genome position (GRCh38, 1-based): chr2:227,282,460, G>C. VCF-style: chr2-227282460-G-C. GRCh37 (hg19) VCF-style: chr2-228147176-G-C.
Other names: short protein forms G862R.
Identifiers: ClinVar variation 1333468 (VCV001333468.1), dbSNP rs1574782666, ClinGen allele CA350850480.

ClinVar aggregate classification (germline): Likely pathogenic (1 of 4 stars; one submission).

Conditions:
Autosomal dominant Alport syndrome (ATS3A). Also called: Alport syndrome dominant type; Renal failure and sensorineural hearing loss; ALPORT SYNDROME 3A, AUTOSOMAL DOMINANT. Identifiers: Orphanet 63, Orphanet 88918, MedGen C5882663, MONDO:0007086, OMIM 104200.

Submission:

3billion
Classification: Likely pathogenic for Autosomal dominant Alport syndrome. Last evaluated: 2022-01-03. Review status: criteria provided, single submitter. Criteria: ACMG Guidelines, 2015. Collection method: clinical testing. Allele origin: germline. Affected: yes. Observed: 1 heterozygote.
Comment: . The variant is located in a well-established functional domain or exonic hotspot, where pathogenic variants have frequently reported (PM1_M). A different missense change at the same codon has been reported to be associated with COL4A3 related disorder (ClinVar ID: VCV000829980, PM5_P). In silico tool predictions suggest damaging effect of the variant on gene or gene product (REVEL: 0.903, 3CNET: 0.92, PP3_P). It is not observed in the gnomAD v2.1.1 dataset (PM2_M)Therefore, this variant is classified as likely pathogenic according to the recommendation of ACMG/AMP guideline.